The following is an entry in ClinVar:

ClinVar aggregate classification (germline): Uncertain significance. Review status: criteria provided, multiple submitters, no conflicts (2 of 4 stars). 4 submissions from 4 submitters: Uncertain significance (4). Last evaluated 2026-01-14.

Conditions:
Nephronophthisis 14 (NPHP14). Identifiers: Orphanet 2318, MedGen C3539071, MONDO:0013916, OMIM 614844.

Allele frequency attached by ClinVar (database versions not stated): TOPMed 0.00012; gnomAD 0.00018 and 0.00019; gnomAD exomes 0.00023 and 0.00033; ExAC 0.00026; ESP Exome Variant Server 0.00031.
gnomAD v4.1: 501 of 1,613,568 alleles (0.031%); highest among the groups gnomAD compares: Non-Finnish European, 0.039%; 3 homozygotes.

Submissions (4):

Labcorp Genetics (formerly Invitae), Labcorp
Classification: Uncertain significance for Nephronophthisis 14. Last evaluated: 2026-01-14. Review status: criteria provided, single submitter. Criteria: Invitae Variant Classification Sherloc (09022015). Collection method: clinical testing. Allele origin: germline.
Comment: This sequence change replaces glycine, which is neutral and non-polar, with serine, which is neutral and polar, at codon 887 of the ZNF423 protein (p.Gly887Ser). This variant is present in population databases (rs147413663, gnomAD 0.04%). This variant has not been reported in the literature in individuals affected with ZNF423-related conditions. ClinVar contains an entry for this variant (Variation ID: 841969). Invitae Evidence Modeling of protein sequence and biophysical properties (such as structural, functional, and spatial information, amino acid conservation, physicochemical variation, residue mobility, and thermodynamic stability) indicates that this missense variant is not expected to disrupt ZNF423 protein function with a negative predictive value of 80%. In summary, the available evidence is currently insufficient to determine the role of this variant in disease. Therefore, it has been classified as a Variant of Uncertain Significance.

Ambry Genetics
Classification: Uncertain significance. Last evaluated: 2024-11-25. Review status: criteria provided, single submitter. Criteria: Ambry Variant Classification Scheme 2023. Collection method: clinical testing. Allele origin: germline.

Blueprint Genetics
Classification: Uncertain significance. Last evaluated: 2024-11-13. Review status: criteria provided, single submitter. Criteria: ACMG Guidelines, 2015. Collection method: clinical testing. Allele origin: germline.

GeneDx
Classification: Uncertain significance. Last evaluated: 2019-12-30. Review status: criteria provided, single submitter. Criteria: GeneDx Variant Classification Process June 2021. Collection method: clinical testing. Allele origin: germline. Affected: yes.
Comment: In silico analysis, which includes protein predictors and evolutionary conservation, supports that this variant does not alter protein structure/function; Has not been previously published as pathogenic or benign to our knowledge

NM_001379286.1(ZNF423):c.2683G>A (p.Gly895Ser)

Gene: ZNF423 (zinc finger protein 423; minus strand). Cytogenetic location: 16q12.1.
Variant type: single nucleotide variant.
Coding change: c.2683G>A on transcript NM_001379286.1 (MANE Select); coding-DNA position 2683, G replaced by A.
Protein change: p.Gly895Ser; replaces glycine 895 with serine.
Molecular consequence: missense variant.
Genome position (GRCh38, 1-based): chr16:49,636,493, C>T on the plus strand (G>A on the coding strand, the complement: ZNF423 is on the minus strand). VCF-style: chr16-49636493-C-T. GRCh37 (hg19) VCF-style: chr16-49670404-C-T.
Other names: c.2479G>A, p.Gly827Ser (NM_001271620.2); c.2308G>A, p.Gly770Ser (NM_001330533.2); c.2659G>A, p.Gly887Ser (NM_015069.5); c.2659G>A (NM_015069.2); short protein forms G827S, G887S, G770S, G895S.
Identifiers: ClinVar variation 841969 (VCV000841969.11), dbSNP rs147413663, ClinGen allele CA8046448.